The following is an entry in ClinVar:

ClinVar aggregate classification (germline): Conflicting classifications of pathogenicity. Review status: criteria provided, conflicting classifications (1 of 4 stars). 3 submissions from 3 submitters: Uncertain significance (1); Likely benign (1). 1 of the submissions does not count toward it. Last evaluated 2023-05-19.

Conditions:
Hereditary cancer-predisposing syndrome. Also called: Neoplastic Syndromes, Hereditary; Tumor predisposition; Hereditary Cancer Syndrome; Hereditary neoplastic syndrome. Identifiers: Orphanet 140162, MedGen C0027672, MeSH D009386, MONDO:0015356.
Breast carcinoma. Also called: Carcinoma of breast. Identifiers: MedGen C0678222, MONDO:0004989, HP:0003002.

Submissions (3):

Ambry Genetics
Classification: Uncertain significance for Hereditary cancer-predisposing syndrome. Last evaluated: 2023-05-19. Review status: criteria provided, single submitter. Criteria: Ambry Variant Classification Scheme 2023. Collection method: clinical testing. Allele origin: germline.
Comment: The p.S1041L variant (also known as c.3122C>T), located in coding exon 9 of the BRCA1 gene, results from a C to T substitution at nucleotide position 3122. The serine at codon 1041 is replaced by leucine, an amino acid with dissimilar properties. This amino acid position is not well conserved in available vertebrate species. In addition, the in silico prediction for this alteration is inconclusive. Since supporting evidence is limited at this time, the clinical significance of this alteration remains unclear.

University of Washington Department of Laboratory Medicine, University of Washington
Classification: Likely benign for Hereditary cancer-predisposing syndrome. Last evaluated: 2023-03-23. Review status: criteria provided, single submitter. Criteria: Dines et al. (Genet Med. 2020). Collection method: curation. Allele origin: germline.
Comment: Missense variant in a coldspot region where missense variants are very unlikely to be pathogenic (PMID:31911673).

BRCA1 coldspot (exon 11 using historical exon numbering). Reclassification based on statistical prior probability

Institute of Human Genetics, University of Wuerzburg
Classification: Uncertain significance for Breast carcinoma. Review status: no assertion criteria provided. Collection method: clinical testing. Allele origin: unknown. Not counted in ClinVar's aggregate classification.

NM_007294.4(BRCA1):c.3122C>T (p.Ser1041Leu)

Gene: BRCA1 (BRCA1 DNA repair associated; minus strand). Cytogenetic location: 17q21.31.
Variant type: single nucleotide variant.
Coding change: c.3122C>T on transcript NM_007294.4 (MANE Select); coding-DNA position 3122, C replaced by T.
Protein change: p.Ser1041Leu; replaces serine 1041 with leucine.
Molecular consequence: missense variant. On other transcripts: intron variant (137).
Genome position (GRCh38, 1-based): chr17:43,092,409, G>A on the plus strand (C>T on the coding strand, the complement: BRCA1 is on the minus strand). VCF-style: chr17-43092409-G-A. GRCh37 (hg19) VCF-style: chr17-41244426-G-A.
Other names: c.2999C>T, p.Ser1000Leu (NM_001407676.1, NM_001407677.1, NM_001407678.1 and 19 more transcripts); c.2996C>T, p.Ser999Leu (NM_001407685.1, NM_001407686.1, NM_001407687.1 and 11 more transcripts); c.2981C>T, p.Ser994Leu (NM_001407726.1, NM_001407727.1, NM_001407728.1 and 29 more transcripts); c.2978C>T, p.Ser993Leu (NM_001407744.1, NM_001407745.1, NM_001407746.1 and 20 more transcripts); c.3122C>T, p.Ser1041Leu (NM_001407684.1, NM_001407581.1, NM_001407582.1 and 30 more transcripts); c.575-1377C>T (NM_001408491.1, NM_001408493.1, NM_001408490.1); c.461-1377C>T (NM_001408506.1, NM_001408507.1); c.578-1377C>T (NM_001408481.1, NM_001408480.1, NM_001408492.1 and 9 more transcripts); and 41 more; short protein forms S1041L, S994L, S1000L, S1038L, S974L, S1014L, S1015L, S913L.
Identifiers: ClinVar variation 560366 (VCV000560366.6), dbSNP rs397509035, ClinGen allele CA10595739.
Genomic context (GRCh38, chr17:43,092,409, plus strand): 5'-ATTTCATTAATACTGGAGCCCACTTCATTAGTACTGGAACCTACTTCATTAATATTGCTT[G>A]AGCTGGCTTCTTTAAAAACATTTTCTCTAATGTTATTACGGCTAATTGTGCTCACTGTAC-3'
Protein context (NP_009225.1, residues 1031-1051): IRENVFKEAS[Ser1041Leu]SNINEVGSST